The following is an entry in ClinVar:

ClinVar aggregate classification (germline): Uncertain significance (1 of 4 stars; one submission).

Allele frequency attached by ClinVar (database versions not stated): gnomAD exomes below 0.00001; gnomAD 0.00001.
gnomAD v4.1: 6 of 1,549,264 alleles (0.00039%); highest among the groups gnomAD compares: South Asian, 0.0073%; no homozygotes.

Submission:

Ambry Genetics
Classification: Uncertain significance. Last evaluated: 2022-09-17. Review status: criteria provided, single submitter. Criteria: Ambry Variant Classification Scheme 2023. Collection method: clinical testing. Allele origin: germline.
Comment: The p.G3376R variant (also known as c.10126G>C), located in coding exon 72 of the PRKDC gene, results from a G to C substitution at nucleotide position 10126. The glycine at codon 3376 is replaced by arginine, an amino acid with dissimilar properties. This amino acid position is conserved. In addition, this alteration is predicted to be tolerated by in silico analysis. Since supporting evidence is limited at this time, the clinical significance of this alteration remains unclear.

NM_006904.7(PRKDC):c.10126G>C (p.Gly3376Arg)

Gene: PRKDC (protein kinase, DNA-activated, catalytic subunit; minus strand). Cytogenetic location: 8q11.21.
Variant type: single nucleotide variant.
Coding change: c.10126G>C on transcript NM_006904.7 (MANE Select); coding-DNA position 10126, G replaced by C.
Protein change: p.Gly3376Arg; replaces glycine 3376 with arginine.
Molecular consequence: missense variant.
Genome position (GRCh38, 1-based): chr8:47,799,381, C>G on the plus strand (G>C on the coding strand, the complement: PRKDC is on the minus strand). VCF-style: chr8-47799381-C-G. GRCh37 (hg19) VCF-style: chr8-48711942-C-G.
Other names: c.10126G>C, p.Gly3376Arg (NM_001081640.2); short protein forms G3376R.
Identifiers: ClinVar variation 1732679 (VCV001732679.2), dbSNP rs2087051221, ClinGen allele CA371135507.
Genomic context (GRCh38, chr8:47,799,381, plus strand): 5'-CCTCCTCCTCAGCCGCCTGCACAGCCTCAGAGAGGTGCTGGAATGCTCTCTGGTACAGAC[C>G]CGCGATCACCTGGAATTCACAGAGACCTAAACCCATGAGCATGACTGAAGCTTTCTCAAA-3'
Protein context (NP_008835.5, residues 3366-3386): SSEDSEKVIA[Gly3376Arg]LYQRAFQHLS